The following is an entry in ClinVar:

NM_001127649.3(PEX26):c.*1265T>A

Gene: PEX26 (peroxisomal biogenesis factor 26; plus strand). Cytogenetic location: 22q11.21.
Variant type: single nucleotide variant.
Coding change: c.*1265T>A on transcript NM_001127649.3 (MANE Select); 1265 bases downstream of the stop codon, T replaced by A.
Molecular consequence: 3 prime UTR variant.
Genome position (GRCh38, 1-based): chr22:18,089,340, T>A. VCF-style: chr22-18089340-T-A. GRCh37 (hg19) VCF-style: chr22-18572106-T-A.
Other names: c.*1265T>A (NM_001199319.2, NM_017929.6).
Identifiers: ClinVar variation 340786 (VCV000340786.6), dbSNP rs456551, ClinGen allele CA10653214.

ClinVar aggregate classification (germline): Benign. Review status: criteria provided, multiple submitters, no conflicts (2 of 4 stars). 2 submissions from 2 submitters: Benign (2). Last evaluated 2018-01-13.

Conditions:
Peroxisome biogenesis disorder 7A (Zellweger). Also called: Peroxisome biogenesis disorder 7A. Identifiers: Orphanet 912, MedGen C3888385, MONDO:0013938, OMIM 614872.

Allele frequency attached by ClinVar (database versions not stated): 1000 Genomes Project 30x 0.42161; 1000 Genomes Project 0.42312; TOPMed 0.49560; gnomAD 0.52142 and 0.52154; gnomAD exomes 0.66667.
gnomAD v4.1: 79,653 of 152,556 alleles (52%); highest among the groups gnomAD compares: Non-Finnish European, 64%; 22,296 homozygotes.

Submissions (2):

Illumina Laboratory Services, Illumina
Classification: Benign for Peroxisome biogenesis disorder 7A (Zellweger). Last evaluated: 2018-01-13. Review status: criteria provided, single submitter. Criteria: ICSL Variant Classification Criteria 13 December 2019. Collection method: clinical testing. Allele origin: germline.
Comment: This variant was observed in the ICSL laboratory as part of a predisposition screen in an ostensibly healthy population. It had not been previously curated by ICSL or reported in the Human Gene Mutation Database (HGMD: prior to June 1st, 2018), and was therefore a candidate for classification through an automated scoring system. Utilizing variant allele frequency, disease prevalence and penetrance estimates, and inheritance mode, an automated score was calculated to assess if this variant is too frequent to cause the disease. Based on the score and internal cut-off values, a variant classified as benign is not then subjected to further curation. The score for this variant resulted in a classification of benign for this disease.

Breakthrough Genomics
Classification: Benign. Review status: criteria provided, single submitter. Criteria: ACMG Guidelines, 2015. Collection method: not provided. Allele origin: germline. Inheritance: Autosomal recessive inheritance. Affected: yes.